The following is an entry in ClinVar:

NM_000291.4(PGK1):c.526A>G (p.Met176Val)

Gene: PGK1 (phosphoglycerate kinase 1; plus strand). Cytogenetic location: Xq21.1.
Variant type: single nucleotide variant.
Coding change: c.526A>G on transcript NM_000291.4 (MANE Select); coding-DNA position 526, A replaced by G.
Protein change: p.Met176Val; replaces methionine 176 with valine.
Molecular consequence: missense variant.
Genome position (GRCh38, 1-based): chrX:78,118,055, A>G. VCF-style: chrX-78118055-A-G. GRCh37 (hg19) VCF-style: chrX-77373552-A-G.
Other names: short protein forms M176V.
Identifiers: ClinVar variation 1163196 (VCV001163196.8), dbSNP rs782714332, ClinGen allele CA10459728.

ClinVar aggregate classification (germline): Uncertain significance. Review status: criteria provided, multiple submitters, no conflicts (2 of 4 stars). 2 submissions from 2 submitters: Uncertain significance (2). Last evaluated 2023-02-14.

Allele frequency attached by ClinVar (database versions not stated): gnomAD exomes below 0.00001 and 0.00001; ExAC 0.00001.

Submissions (2):

Labcorp Genetics (formerly Invitae), Labcorp
Classification: Uncertain significance. Last evaluated: 2023-02-14. Review status: criteria provided, single submitter. Criteria: Invitae Variant Classification Sherloc (09022015). Collection method: clinical testing. Allele origin: germline.
Comment: In summary, the available evidence is currently insufficient to determine the role of this variant in disease. Therefore, it has been classified as a Variant of Uncertain Significance. Advanced modeling of protein sequence and biophysical properties (such as structural, functional, and spatial information, amino acid conservation, physicochemical variation, residue mobility, and thermodynamic stability) performed at Invitae indicates that this missense variant is not expected to disrupt PGK1 protein function. ClinVar contains an entry for this variant (Variation ID: 1163196). This variant has not been reported in the literature in individuals affected with PGK1-related conditions. This variant is present in population databases (rs782714332, gnomAD 0.001%), including at least one homozygous and/or hemizygous individual. This sequence change replaces methionine, which is neutral and non-polar, with valine, which is neutral and non-polar, at codon 176 of the PGK1 protein (p.Met176Val).

Mayo Clinic Laboratories, Mayo Clinic
Classification: Uncertain significance. Last evaluated: 2020-08-03. Review status: criteria provided, single submitter. Criteria: ACMG Guidelines, 2015. Collection method: clinical testing. Allele origin: germline. Observed: 1 variant allele.